The following is an entry in ClinVar:

NM_053025.4(MYLK):c.4288G>A (p.Glu1430Lys)

Gene: MYLK (myosin light chain kinase; minus strand). Cytogenetic location: 3q21.1.
Variant type: single nucleotide variant.
Coding change: c.4288G>A on transcript NM_053025.4 (MANE Select); coding-DNA position 4288, G replaced by A.
Protein change: p.Glu1430Lys; replaces glutamic acid 1430 with lysine.
Molecular consequence: missense variant.
Genome position (GRCh38, 1-based): chr3:123,657,126, C>T on the plus strand (G>A on the coding strand, the complement: MYLK is on the minus strand). VCF-style: chr3-123657126-C-T. GRCh37 (hg19) VCF-style: chr3-123375973-C-T.
Other names: c.3760G>A, p.Glu1254Lys (NM_001321309.2); c.4081G>A, p.Glu1361Lys (NM_053026.4, NM_053028.4); c.4288G>A, p.Glu1430Lys (NM_053027.4); short protein forms E1254K, E1430K, E1361K.
Identifiers: ClinVar variation 4115061 (VCV004115061.1).
Genomic context (GRCh38, chr3:123,657,126, plus strand): 5'-ATACACAAGGTCAGTCACGCACATTTGTTTCAAGCCACTGATGAAGTGATGGCAGCCTAC[C>T]TTCAGGTTTCTCTCCTACCGTTGTGAGTTCAGACTCCTGGCTTGGCTCACTGGTTCCATA-3'
Protein context (NP_444253.3, residues 1420-1440): ELTTVGEKPE[Glu1430Lys]PKDEVEVSDD

ClinVar aggregate classification (germline): Uncertain significance (1 of 4 stars; one submission).

Conditions:
Familial thoracic aortic aneurysm and aortic dissection (TAAD). Also called: Thoracic aortic aneurysms and dissections. Identifiers: Orphanet 91387, MedGen C4707243, MONDO:0019625.

Submission:

Ambry Genetics
Classification: Uncertain significance for Familial thoracic aortic aneurysm and aortic dissection. Last evaluated: 2025-08-25. Review status: criteria provided, single submitter. Criteria: Ambry Variant Classification Scheme 2023. Collection method: clinical testing. Allele origin: germline.
Comment: The p.E1430K variant (also known as c.4288G>A), located in coding exon 21 of the MYLK gene, results from a G to A substitution at nucleotide position 4288. The glutamic acid at codon 1430 is replaced by lysine, an amino acid with similar properties. However, this change occurs in the last base pair of coding exon 21, which makes it likely to have some effect on normal mRNA splicing. This nucleotide position is highly conserved in available vertebrate species. This amino acid position is highly conserved in available vertebrate species. In silico splice site analysis predicts that this alteration will weaken the native splice donor site and may result in the creation or strengthening of a novel splice donor site. In addition, as a missense substitution this is predicted to be tolerated by in silico analysis. Based on the available evidence, the clinical significance of this variant remains unclear.